The following is an entry in ClinVar:

ClinVar aggregate classification (germline): Pathogenic (1 of 4 stars; one submission).

Conditions:
Familial thoracic aortic aneurysm and aortic dissection (TAAD). Also called: Thoracic aortic aneurysms and dissections. Identifiers: Orphanet 91387, MedGen C4707243, MONDO:0019625.
Marfan syndrome (MFS). Also called: Marfan syndrome type 1; Marfan's syndrome; Marfan syndrome, classic; MARFAN SYNDROME, TYPE I; FBN1-Related Marfan Syndrome. Identifiers: Orphanet 284963, Orphanet 558, MedGen C0024796, MONDO:0007947, OMIM 154700.

Submission:

Labcorp Genetics (formerly Invitae), Labcorp
Classification: Pathogenic for Marfan syndrome; Familial thoracic aortic aneurysm and aortic dissection. Last evaluated: 2020-01-25. Review status: criteria provided, single submitter. Criteria: Invitae Variant Classification Sherloc (09022015). Collection method: clinical testing. Allele origin: germline.
Comment: Loss-of-function variants in FBN1 are known to be pathogenic (PMID: 17657824, 19293843). This variant has not been reported in the literature in individuals with FBN1-related conditions. This variant is not present in population databases (ExAC no frequency). This sequence change creates a premature translational stop signal (p.Gln514*) in the FBN1 gene. It is expected to result in an absent or disrupted protein product. For these reasons, this variant has been classified as Pathogenic.

Literature cited by the submitters: PubMed 17657824; PubMed 19293843.

NM_000138.5(FBN1):c.1540C>T (p.Gln514Ter)

Gene: FBN1 (fibrillin 1; minus strand). Cytogenetic location: 15q21.1.
Variant type: single nucleotide variant.
Coding change: c.1540C>T on transcript NM_000138.5 (MANE Select); coding-DNA position 1540, C replaced by T.
Protein change: p.Gln514Ter; replaces glutamine 514 with a stop codon.
Molecular consequence: nonsense.
Genome position (GRCh38, 1-based): chr15:48,513,597, G>A on the plus strand (C>T on the coding strand, the complement: FBN1 is on the minus strand). VCF-style: chr15-48513597-G-A. GRCh37 (hg19) VCF-style: chr15-48805794-G-A.
Other names: short protein forms Q514*.
Identifiers: ClinVar variation 1070664 (VCV001070664.7), dbSNP rs2141327746, ClinGen allele CA392342350.